The following is an entry in ClinVar:

NM_020975.6(RET):c.538C>G (p.Arg180Gly)

Gene: RET (ret proto-oncogene; plus strand). Cytogenetic location: 10q11.21.
Variant type: single nucleotide variant.
Coding change: c.538C>G on transcript NM_020975.6 (MANE Select); coding-DNA position 538, C replaced by G.
Protein change: p.Arg180Gly; replaces arginine 180 with glycine.
Molecular consequence: missense variant. On other transcripts: intron variant (15).
Genome position (GRCh38, 1-based): chr10:43,102,542, C>G. VCF-style: chr10-43102542-C-G. GRCh37 (hg19) VCF-style: chr10-43597990-C-G.
Other names: c.538C>G, p.Arg180Gly (NM_000323.2, NM_001406743.1, NM_001406744.1 and 16 more transcripts); c.409C>G, p.Arg137Gly (NM_001406761.1, NM_001406762.1, NM_001406764.1 and 4 more transcripts); c.337+1820C>G (NM_001406770.1, NM_001406766.1, NM_001406767.1 and 8 more transcripts); c.74-6489C>G (NM_001406784.1); c.74-9557C>G (NM_001406794.1, NM_001406792.1, NM_001406793.1); short protein forms R137G, R180G.
Identifiers: ClinVar variation 3227562 (VCV003227562.1), dbSNP rs76449634, ClinGen allele CA376543418.
Genomic context (GRCh38, chr10:43,102,542, plus strand): 5'-CTCAAGCCCCGGGAGCTCTGCTTCCCAGAGACAAGGCCCTCCTTCCGCATTCGGGAGAAC[C>G]GACCCCCAGGCACCTTCCACCAGTTCCGCCTGCTGCCTGTGCAGTTCTTGTGCCCCAACA-3'
Protein context (NP_066124.1, residues 170-190): TRPSFRIREN[Arg180Gly]PPGTFHQFRL

ClinVar aggregate classification (germline): Uncertain significance (1 of 4 stars; one submission).

Conditions:
Hereditary cancer-predisposing syndrome. Also called: Neoplastic Syndromes, Hereditary; Tumor predisposition; Hereditary neoplastic syndrome; Hereditary Cancer Syndrome. Identifiers: Orphanet 140162, MedGen C0027672, MeSH D009386, MONDO:0015356.

Submission:

Ambry Genetics
Classification: Uncertain significance for Hereditary cancer-predisposing syndrome. Last evaluated: 2023-09-16. Review status: criteria provided, single submitter. Criteria: Ambry Variant Classification Scheme 2023. Collection method: clinical testing. Allele origin: germline.
Comment: The p.R180G variant (also known as c.538C>G), located in coding exon 3 of the RET gene, results from a C to G substitution at nucleotide position 538. The arginine at codon 180 is replaced by glycine, an amino acid with dissimilar properties. This amino acid position is conserved. In addition, this alteration is predicted to be tolerated by in silico analysis. Since supporting evidence is limited at this time, the clinical significance of this alteration remains unclear.